The following is an entry in ClinVar:

ClinVar aggregate classification (germline): Uncertain significance. Review status: criteria provided, multiple submitters, no conflicts (2 of 4 stars). 2 submissions from 2 submitters: Uncertain significance (2). Last evaluated 2025-12-04.

Conditions:
Inborn genetic diseases. Identifiers: MedGen C0950123, MeSH D030342.
Congenital myasthenic syndrome 8. Also called: Myasthenic syndrome, congenital, 8, with pre- and postsynaptic defects; MYASTHENIC SYNDROME, CONGENITAL, DUE TO AGRIN DEFICIENCY. Identifiers: Orphanet 590, MedGen C3808739, MONDO:0014052, OMIM 615120.

Allele frequency attached by ClinVar (database versions not stated): gnomAD 0.00001 and 0.00002; gnomAD exomes 0.00005; TOPMed 0.00005.

Submissions (2):

Ambry Genetics
Classification: Uncertain significance for Inborn genetic diseases. Last evaluated: 2025-12-04. Review status: criteria provided, single submitter. Criteria: Ambry Variant Classification Scheme 2023. Collection method: clinical testing. Allele origin: germline.

Labcorp Genetics (formerly Invitae), Labcorp
Classification: Uncertain significance for Congenital myasthenic syndrome 8. Last evaluated: 2025-06-23. Review status: criteria provided, single submitter. Criteria: Invitae Variant Classification Sherloc (09022015). Collection method: clinical testing. Allele origin: germline.
Comment: This sequence change replaces valine, which is neutral and non-polar, with isoleucine, which is neutral and non-polar, at codon 1298 of the AGRN protein (p.Val1298Ile). The frequency data for this variant in the population databases is considered unreliable, as metrics indicate poor data quality at this position in the gnomAD database. This variant has not been reported in the literature in individuals affected with AGRN-related conditions. ClinVar contains an entry for this variant (Variation ID: 1018064). An algorithm developed to predict the effect of missense changes on protein structure and function outputs the following: PolyPhen-2: "Benign". The isoleucine amino acid residue is found in multiple mammalian species, which suggests that this missense change does not adversely affect protein function. In summary, the available evidence is currently insufficient to determine the role of this variant in disease. Therefore, it has been classified as a Variant of Uncertain Significance.

NM_198576.4(AGRN):c.3892G>A (p.Val1298Ile)

Gene: AGRN (agrin; plus strand). Cytogenetic location: 1p36.33.
Variant type: single nucleotide variant.
Coding change: c.3892G>A on transcript NM_198576.4 (MANE Select); coding-DNA position 3892, G replaced by A.
Protein change: p.Val1298Ile; replaces valine 1298 with isoleucine.
Molecular consequence: missense variant.
Genome position (GRCh38, 1-based): chr1:1,048,152, G>A. VCF-style: chr1-1048152-G-A. GRCh37 (hg19) VCF-style: chr1-983532-G-A.
Other names: c.3892G>A, p.Val1298Ile (NM_001305275.2); c.3577G>A, p.Val1193Ile (NM_001364727.2); c.3892G>A (NM_198576.3); short protein forms V1193I, V1298I.
Identifiers: ClinVar variation 1018064 (VCV001018064.8), dbSNP rs963483105, ClinGen allele CA16760236.
Genomic context (GRCh38, chr1:1,048,152, plus strand): 5'-CGCCTGCCGTCCTCTGCTGTGACCCCTCGGGCCCCGCACCCCAGTCACACAAGCCAGCCC[G>A]TTGCCAAGACCACGGCAGCCCCCACCACACGTCGGCCCCCCACCACTGCCCCCAGCCGTG-3'
Protein context (NP_940978.2, residues 1288-1308): APHPSHTSQP[Val1298Ile]AKTTAAPTTR